The following is an entry in ClinVar:

ClinVar aggregate classification (germline): Uncertain significance. Review status: criteria provided, multiple submitters, no conflicts (2 of 4 stars). 2 submissions from 2 submitters: Uncertain significance (2). Last evaluated 2025-02-02.

Conditions:
Hereditary breast ovarian cancer syndrome. Also called: Hereditary breast and ovarian cancer; BRCA1- and BRCA2-Associated Hereditary Breast and Ovarian Cancer; Hereditary breast and ovarian cancer syndrome; Breast and ovarian cancer; Hereditary breast and ovarian cancer syndrome (HBOC); Hereditary breast and/or ovarian cancer syndrome. Identifiers: Orphanet 145, MedGen C0677776, MeSH D061325, MONDO:0003582. Disease mechanism: loss of function.
Hereditary cancer-predisposing syndrome. Also called: Neoplastic Syndromes, Hereditary; Tumor predisposition; Hereditary Cancer Syndrome; Hereditary neoplastic syndrome. Identifiers: Orphanet 140162, MedGen C0027672, MeSH D009386, MONDO:0015356.

Submissions (2):

Labcorp Genetics (formerly Invitae), Labcorp
Classification: Uncertain significance for Hereditary breast ovarian cancer syndrome. Last evaluated: 2025-02-02. Review status: criteria provided, single submitter. Criteria: Invitae Variant Classification Sherloc (09022015). Collection method: clinical testing. Allele origin: germline.
Comment: This sequence change replaces serine, which is neutral and polar, with proline, which is neutral and non-polar, at codon 1241 of the BRCA1 protein (p.Ser1241Pro). This variant is not present in population databases (gnomAD no frequency). This variant has not been reported in the literature in individuals affected with BRCA1-related conditions. ClinVar contains an entry for this variant (Variation ID: 2816063). Invitae Evidence Modeling of protein sequence and biophysical properties (such as structural, functional, and spatial information, amino acid conservation, physicochemical variation, residue mobility, and thermodynamic stability) indicates that this missense variant is not expected to disrupt BRCA1 protein function with a negative predictive value of 80%. In summary, the available evidence is currently insufficient to determine the role of this variant in disease. Therefore, it has been classified as a Variant of Uncertain Significance.

Ambry Genetics
Classification: Uncertain significance for Hereditary cancer-predisposing syndrome. Last evaluated: 2024-01-20. Review status: criteria provided, single submitter. Criteria: Ambry Variant Classification Scheme 2023. Collection method: clinical testing. Allele origin: germline.
Comment: The p.S1241P variant (also known as c.3721T>C), located in coding exon 9 of the BRCA1 gene, results from a T to C substitution at nucleotide position 3721. The serine at codon 1241 is replaced by proline, an amino acid with similar properties. This amino acid position is conserved. In addition, the in silico prediction for this alteration is inconclusive. Based on the available evidence, the clinical significance of this alteration remains unclear.

NM_007294.4(BRCA1):c.3721T>C (p.Ser1241Pro)

Genes: BRCA1 (BRCA1 DNA repair associated; minus strand), LOC126862571 (BRD4-independent group 4 enhancer GRCh37_chr17:41243136-41244335; plus strand). Cytogenetic location: 17q21.31.
Variant type: single nucleotide variant.
Coding change: c.3721T>C on transcript NM_007294.4 (MANE Select); coding-DNA position 3721, T replaced by C.
Protein change: p.Ser1241Pro; replaces serine 1241 with proline.
Molecular consequence: missense variant. On other transcripts: intron variant (135).
Genome position (GRCh38, 1-based): chr17:43,091,810, A>G on the plus strand (T>C on the coding strand, the complement: BRCA1 is on the minus strand). VCF-style: chr17-43091810-A-G. GRCh37 (hg19) VCF-style: chr17-41243827-A-G.
Other names: c.710-778T>C (NM_001408411.1, NM_001408412.1, NM_001408409.1 and 2 more transcripts); c.3511T>C, p.Ser1171Pro (NM_001407882.1, NM_001407884.1, NM_001407885.1 and 13 more transcripts); c.578-778T>C (NM_001408514.1, NM_001408485.1, NM_001408481.1 and 9 more transcripts); c.662-778T>C (NM_001408447.1, NM_001408433.1, NM_001408446.1 and 6 more transcripts); c.785-778T>C (NM_001408400.1, NM_001408392.1, NM_001407986.1 and 13 more transcripts); c.665-778T>C (NM_001408437.1, NM_001408429.1, NM_001408441.1 and 12 more transcripts); c.3508T>C, p.Ser1170Pro (NM_001407896.1, NM_001407894.1, NM_001407895.1 and 9 more transcripts); c.3721T>C, p.Ser1241Pro (NM_001407581.1, NM_001407582.1, NM_001407583.1 and 30 more transcripts); and 41 more; short protein forms S1113P, S1130P, S1153P, S1173P, S1214P, S1073P, S1114P, S1171P.
Identifiers: ClinVar variation 2816063 (VCV002816063.4), dbSNP rs2154292623, ClinGen allele CA10594525.